The following is an entry in ClinVar:

NM_053025.4(MYLK):c.2140+6G>A

Gene: MYLK (myosin light chain kinase; minus strand). Cytogenetic location: 3q21.1.
Variant type: single nucleotide variant.
Coding change: c.2140+6G>A on transcript NM_053025.4 (MANE Select); 6 bases into the intron after coding-DNA position 2140, G replaced by A.
Molecular consequence: intron variant.
Genome position (GRCh38, 1-based): chr3:123,708,692, C>T on the plus strand (G>A on the coding strand, the complement: MYLK is on the minus strand). VCF-style: chr3-123708692-C-T. GRCh37 (hg19) VCF-style: chr3-123427539-C-T.
Other names: c.1612+6G>A (NM_001321309.2); c.1933+6G>A (NM_053028.4, NM_053026.4); c.2140+6G>A (NM_053027.4).
Identifiers: ClinVar variation 241755 (VCV000241755.11), dbSNP rs374346618, ClinGen allele CA068181.

ClinVar aggregate classification (germline): Conflicting classifications of pathogenicity. Review status: criteria provided, conflicting classifications (1 of 4 stars). 2 submissions from 2 submitters: Uncertain significance (1); Likely benign (1). Last evaluated 2025-11-23.

Conditions:
Familial thoracic aortic aneurysm and aortic dissection (TAAD). Also called: Thoracic aortic aneurysms and dissections. Identifiers: Orphanet 91387, MedGen C4707243, MONDO:0019625.
Aortic aneurysm, familial thoracic 7 (AAT7). Also called: AORTIC DISSECTION, FAMILIAL, WITH OR WITHOUT AORTIC ANEURYSM. Identifiers: MedGen C3151077, MONDO:0013418, OMIM 613780.

Allele frequency attached by ClinVar (database versions not stated): ExAC 0.00003; TOPMed 0.00009; ESP Exome Variant Server 0.00015.
gnomAD v4.1: 37 of 1,613,894 alleles (0.0023%); highest among the groups gnomAD compares: Middle Eastern, 0.033%; no homozygotes.

Submissions (2):

Labcorp Genetics (formerly Invitae), Labcorp
Classification: Likely benign for Aortic aneurysm, familial thoracic 7. Last evaluated: 2025-11-23. Review status: criteria provided, single submitter. Criteria: Invitae Variant Classification Sherloc (09022015). Collection method: clinical testing. Allele origin: germline.

Ambry Genetics
Classification: Uncertain significance for Familial thoracic aortic aneurysm and aortic dissection. Last evaluated: 2021-10-22. Review status: criteria provided, single submitter. Criteria: Ambry Variant Classification Scheme 2023. Collection method: clinical testing. Allele origin: germline.
Comment: The c.2140+6G>A intronic alteration consists of a G to A substitution 6 nucleotides after exon 15 (coding exon 12) of the MYLK gene. Based on insufficient or conflicting evidence, the clinical significance of this alteration remains unclear.